The following is an entry in ClinVar:

ClinVar aggregate classification (germline): Pathogenic (1 of 4 stars; one submission).

Conditions:
Primary ciliary dyskinesia. Also called: Ciliary dyskinesia. Identifiers: Orphanet 244, MedGen C0008780, MONDO:0016575, HP:0012265.

Submission:

Labcorp Genetics (formerly Invitae), Labcorp
Classification: Pathogenic for Primary ciliary dyskinesia. Last evaluated: 2021-10-20. Review status: criteria provided, single submitter. Criteria: Invitae Variant Classification Sherloc (09022015). Collection method: clinical testing. Allele origin: germline.
Comment: This variant has not been reported in the literature in individuals affected with DNAH5-related conditions. This sequence change creates a premature translational stop signal (p.Glu3806Serfs*4) in the DNAH5 gene. It is expected to result in an absent or disrupted protein product. Loss-of-function variants in DNAH5 are known to be pathogenic (PMID: 11788826, 16627867). This variant is not present in population databases (ExAC no frequency). For these reasons, this variant has been classified as Pathogenic.

Literature cited by the submitters: PubMed 11788826; PubMed 16627867.

NM_001369.3(DNAH5):c.11416_11417del (p.Glu3806fs)

Gene: DNAH5 (dynein axonemal heavy chain 5; minus strand). Cytogenetic location: 5p15.2.
Variant type: Deletion.
Coding change: c.11416_11417del on transcript NM_001369.3 (MANE Select); coding-DNA positions 11416 to 11417, 2 bases deleted (GA; older notation c.11416_11417delGA).
Protein change: p.Glu3806fs; shifts the reading frame from glutamic acid 3806.
Molecular consequence: frameshift variant.
Genome position (GRCh38, 1-based): chr5:13,737,290-13,737,291, TC deleted on the plus strand (GA on the coding strand, the reverse complement: DNAH5 is on the minus strand); deleting any 2 consecutive bases within chr5:13,737,290-13,737,292 gives the same sequence; the c. name uses the placement nearest the transcript's 3' end. VCF-style (leftmost placement, unchanged base first): chr5-13737289-TTC-T. GRCh37 (hg19) VCF-style: chr5-13737398-TTC-T.
Other names: short protein forms E3806fs.
Identifiers: ClinVar variation 1389365 (VCV001389365.6), dbSNP rs2126619946, ClinGen allele CA2573138441.